The following is an entry in ClinVar:

ClinVar aggregate classification (germline): Likely benign (0 of 4 stars; one submission).

Conditions:
SLC22A25-related disorder. Also called: SLC22A25-related condition.

Allele frequency attached by ClinVar (database versions not stated): gnomAD exomes 0.00002; TOPMed 0.00002; gnomAD 0.00003; ExAC 0.00005; 1000 Genomes Project 30x 0.00016; 1000 Genomes Project 0.00020.
gnomAD v4.1: 25 of 1,587,766 alleles (0.0016%); highest among the groups gnomAD compares: East Asian, 0.056%; no homozygotes.

Submission:

PreventionGenetics, part of Exact Sciences
Classification: Likely benign for SLC22A25-related condition. Last evaluated: 2019-08-01. Review status: no assertion criteria provided. Collection method: clinical testing. Allele origin: germline.
Comment: This variant is classified as likely benign based on ACMG/AMP sequence variant interpretation guidelines (Richards et al. 2015 PMID: 25741868, with internal and published modifications).

NM_199352.6(SLC22A25):c.506+8T>C

Gene: SLC22A25 (solute carrier family 22 member 25; minus strand). Cytogenetic location: 11q12.3.
Variant type: single nucleotide variant.
Coding change: c.506+8T>C on transcript NM_199352.6 (MANE Select); 8 bases into the intron after coding-DNA position 506, T replaced by C.
Molecular consequence: intron variant.
Genome position (GRCh38, 1-based): chr11:63,228,453, A>G on the plus strand (T>C on the coding strand, the complement: SLC22A25 is on the minus strand). VCF-style: chr11-63228453-A-G. GRCh37 (hg19) VCF-style: chr11-62995925-A-G.
Other names: c.506+8T>C (NM_001394059.1, NM_001394058.1).
Identifiers: ClinVar variation 3035153 (VCV003035153.2), dbSNP rs144340167, ClinGen allele CA6060827.